The following is an entry in ClinVar:

ClinVar aggregate classification (germline): Pathogenic (1 of 4 stars; one submission).

Submission:

GeneDx
Classification: Pathogenic. Last evaluated: 2024-06-12. Review status: criteria provided, single submitter. Criteria: GeneDx Variant Classification Process June 2021. Collection method: clinical testing. Allele origin: germline. Affected: yes.
Comment: Nonsense variant predicted to result in protein truncation or nonsense mediated decay in a gene for which loss of function is a known mechanism of disease; Not observed at significant frequency in large population cohorts (gnomAD); Has not been previously published as pathogenic or benign to our knowledge

NM_173495.3(PTCHD1):c.145G>T (p.Glu49Ter)

Gene: PTCHD1 (patched domain containing 1; plus strand). Cytogenetic location: Xp22.11.
Variant type: single nucleotide variant.
Coding change: c.145G>T on transcript NM_173495.3 (MANE Select); coding-DNA position 145, G replaced by T.
Protein change: p.Glu49Ter; replaces glutamic acid 49 with a stop codon.
Molecular consequence: nonsense.
Genome position (GRCh38, 1-based): chrX:23,335,020, G>T. VCF-style: chrX-23335020-G-T. GRCh37 (hg19) VCF-style: chrX-23353137-G-T.
Other names: short protein forms E49*.
Identifiers: ClinVar variation 3391629 (VCV003391629.1).
Genomic context (GRCh38, chrX:23,335,020, plus strand): 5'-GCCTCGGCGCCGGTGCTCATCTCCATCCTGCTCGGCGCCAGCTTCAGCCGCTACCAGGTC[G>T]AGGAGAGCGTGGAGCACCTGCTGGCGCCCCAGCACAGCCTGGCCAAGATCGAGCGCAACC-3'